The following is an entry in ClinVar:

ClinVar aggregate classification (germline): Uncertain significance (1 of 4 stars; one submission).

Conditions:
Oculodentodigital dysplasia, autosomal recessive. Also called: OCULODENTOOSSEOUS DYSPLASIA, AUTOSOMAL RECESSIVE; ODDD, AUTOSOMAL RECESSIVE; ODOD, AUTOSOMAL RECESSIVE. Identifiers: Orphanet 2710, MedGen C2749477, MONDO:0009768, OMIM 257850.

Allele frequency attached by ClinVar (database versions not stated): TOPMed below 0.00001; ExAC 0.00001; gnomAD exomes 0.00001; gnomAD 0.00004.
gnomAD v4.1: 18 of 1,613,788 alleles (0.0011%); highest among the groups gnomAD compares: Admixed American, 0.005%; no homozygotes.

Submission:

Labcorp Genetics (formerly Invitae), Labcorp
Classification: Uncertain significance for Oculodentodigital dysplasia, autosomal recessive. Last evaluated: 2024-10-27. Review status: criteria provided, single submitter. Criteria: Invitae Variant Classification Sherloc (09022015). Collection method: clinical testing. Allele origin: germline.
Comment: This sequence change replaces arginine, which is basic and polar, with glutamine, which is neutral and polar, at codon 101 of the GJA1 protein (p.Arg101Gln). This variant is present in population databases (rs755535373, gnomAD 0.009%). This variant has not been reported in the literature in individuals affected with GJA1-related conditions. ClinVar contains an entry for this variant (Variation ID: 2143199). Invitae Evidence Modeling of protein sequence and biophysical properties (such as structural, functional, and spatial information, amino acid conservation, physicochemical variation, residue mobility, and thermodynamic stability) has been performed for this missense variant. However, the output from this modeling did not meet the statistical confidence thresholds required to predict the impact of this variant on GJA1 protein function. In summary, the available evidence is currently insufficient to determine the role of this variant in disease. Therefore, it has been classified as a Variant of Uncertain Significance.

NM_000165.5(GJA1):c.302G>A (p.Arg101Gln)

Gene: GJA1 (gap junction protein alpha 1; plus strand). Cytogenetic location: 6q22.31.
Variant type: single nucleotide variant.
Coding change: c.302G>A on transcript NM_000165.5 (MANE Select); coding-DNA position 302, G replaced by A.
Protein change: p.Arg101Gln; replaces arginine 101 with glutamine.
Molecular consequence: missense variant.
Genome position (GRCh38, 1-based): chr6:121,447,149, G>A. VCF-style: chr6-121447149-G-A. GRCh37 (hg19) VCF-style: chr6-121768295-G-A.
Other names: short protein forms R101Q.
Identifiers: ClinVar variation 2143199 (VCV002143199.4), dbSNP rs755535373, ClinGen allele CA3981672.